The following is an entry in ClinVar:

NM_001069.3(TUBB2A):c.1334C>T (p.Ala445Val)

Gene: TUBB2A (tubulin beta 2A class IIa; minus strand). Cytogenetic location: 6p25.2.
Variant type: single nucleotide variant.
Coding change: c.1334C>T on transcript NM_001069.3 (MANE Select); coding-DNA position 1334, C replaced by T.
Protein change: p.Ala445Val; replaces alanine 445 with valine.
Molecular consequence: missense variant.
Genome position (GRCh38, 1-based): chr6:3,153,867, G>A on the plus strand (C>T on the coding strand, the complement: TUBB2A is on the minus strand). VCF-style: chr6-3153867-G-A. GRCh37 (hg19) VCF-style: chr6-3154101-G-A.
Other names: c.1079C>T, p.Ala360Val (NM_001310315.2); short protein forms A360V, A445V.
Identifiers: ClinVar variation 1359509 (VCV001359509.8), dbSNP rs1762588456, ClinGen allele CA362590675.

ClinVar aggregate classification (germline): Uncertain significance (1 of 4 stars; one submission).

Allele frequency attached by ClinVar (database versions not stated): TOPMed below 0.00001.

Submission:

Labcorp Genetics (formerly Invitae), Labcorp
Classification: Uncertain significance. Last evaluated: 2021-02-18. Review status: criteria provided, single submitter. Criteria: Invitae Variant Classification Sherloc (09022015). Collection method: clinical testing. Allele origin: germline.
Comment: In summary, the available evidence is currently insufficient to determine the role of this variant in disease. Therefore, it has been classified as a Variant of Uncertain Significance. Advanced modeling of protein sequence and biophysical properties (such as structural, functional, and spatial information, amino acid conservation, physicochemical variation, residue mobility, and thermodynamic stability) performed at Invitae indicates that this missense variant is not expected to disrupt TUBB2A protein function. This variant has not been reported in the literature in individuals with TUBB2A-related conditions. This variant is not present in population databases (ExAC no frequency). This sequence change replaces alanine with valine at codon 445 of the TUBB2A protein (p.Ala445Val). The alanine residue is weakly conserved and there is a small physicochemical difference between alanine and valine.